The following is an entry in ClinVar:

NM_001276270.2(MBD4):c.1363A>G (p.Ile455Val)

Gene: MBD4 (methyl-CpG binding domain 4, DNA glycosylase; minus strand). Cytogenetic location: 3q21.3.
Variant type: single nucleotide variant.
Coding change: c.1363A>G on transcript NM_001276270.2 (MANE Select); coding-DNA position 1363, A replaced by G.
Protein change: p.Ile455Val; replaces isoleucine 455 with valine.
Molecular consequence: missense variant.
Genome position (GRCh38, 1-based): chr3:129,433,880, T>C on the plus strand (A>G on the coding strand, the complement: MBD4 is on the minus strand). VCF-style: chr3-129433880-T-C. GRCh37 (hg19) VCF-style: chr3-129152723-T-C.
Other names: c.1381A>G, p.Ile461Val (NM_001276271.2, NM_001276272.2, NM_003925.3); c.427A>G, p.Ile143Val (NM_001276273.2); short protein forms I455V, I143V, I461V.
Identifiers: ClinVar variation 3543807 (VCV003543807.1).
Genomic context (GRCh38, chr3:129,433,880, plus strand): 5'-CTAAGACAAAGATGATAATAATCCCCAAACCTGAGGTCCGATTGAGAAATATAGTAGCGA[T>C]GAGAAGCTTCCATGGATCATGAAAAAGTGTTTCTTGAACGAGATTAAAAGGTGACCGAGG-3'
Protein context (NP_001263199.1, residues 445-465): TLFHDPWKLL[Ile455Val]ATIFLNRTSG

ClinVar aggregate classification (germline): Uncertain significance (1 of 4 stars; one submission).

Conditions:
Inborn genetic diseases. Identifiers: MedGen C0950123, MeSH D030342.

gnomAD v4.1: 2 of 1,614,184 alleles (0.00012%); highest among the groups gnomAD compares: Non-Finnish European, 0.00017%; no homozygotes.

Submission:

Ambry Genetics
Classification: Uncertain significance for Inborn genetic diseases. Last evaluated: 2024-12-08. Review status: criteria provided, single submitter. Criteria: Ambry Variant Classification Scheme 2023. Collection method: clinical testing. Allele origin: germline.
Comment: The p.I455V variant (also known as c.1363A>G), located in coding exon 5 of the MBD4 gene, results from an A to G substitution at nucleotide position 1363. The isoleucine at codon 455 is replaced by valine, an amino acid with highly similar properties. This amino acid position is conserved. In addition, this alteration is predicted to be tolerated by in silico analysis. Based on the available evidence, the clinical significance of this variant remains unclear.